The following is an entry in ClinVar:

NC_000016.10:g.(?_89529457)_(89529599_?)del

Gene: SPG7 (SPG7 matrix AAA peptidase subunit, paraplegin; plus strand). Cytogenetic location: 16q24.3.
Variant type: Deletion.
Identifiers: ClinVar variation 584118 (VCV000584118.2).

ClinVar aggregate classification (germline): Pathogenic (1 of 4 stars; one submission).

Conditions:
Hereditary spastic paraplegia 7 (SPG7). Also called: SPG7-related neurologic disorder; SPASTIC PARAPLEGIA 7, AUTOSOMAL RECESSIVE, WITH OR WITHOUT CEREBELLAR ATAXIA; Spastic paraplegia 7; Hereditary spastic paraplegia Paraplegin type; Autosomal recessive spastic paraplegia type 7. Identifiers: Orphanet 99013, MedGen C1846564, MONDO:0011803, OMIM 607259.

Submission:

Labcorp Genetics (formerly Invitae), Labcorp
Classification: Pathogenic for Spastic paraplegia 7. Last evaluated: 2019-06-24. Review status: criteria provided, single submitter. Criteria: Invitae Variant Classification Sherloc (09022015). Collection method: clinical testing. Allele origin: germline.
Comment: This variant is an out-of-frame deletion of the genomic region encompassing exon 6 of the SPG7 gene. This is expected to create a premature translational stop signal and result in an absent or disrupted protein product. A similar deletion of exon 6 has been reported to segregate with autosomal recessive hereditary spastic paraplegia in a family (PMID: 23733235). Loss-of-function variants in SPG7 are known to be pathogenic (PMID: 21623769, 22964162). For these reasons, this variant has been classified as Pathogenic.

Literature cited by the submitters: PubMed 23733235.